The following is an entry in ClinVar:

ClinVar aggregate classification (germline): Uncertain significance (1 of 4 stars; one submission).

Allele frequency attached by ClinVar (database versions not stated): 1000 Genomes Project 30x 0.00016.
gnomAD v4.1: 50 of 1,606,600 alleles (0.0031%); highest among the groups gnomAD compares: South Asian, 0.052%; no homozygotes.

Submission:

Labcorp Genetics (formerly Invitae), Labcorp
Classification: Uncertain significance. Last evaluated: 2022-08-16. Review status: criteria provided, single submitter. Criteria: Invitae Variant Classification Sherloc (09022015). Collection method: clinical testing. Allele origin: germline.
Comment: This sequence change replaces valine, which is neutral and non-polar, with leucine, which is neutral and non-polar, at codon 428 of the GPAA1 protein (p.Val428Leu). This variant is present in population databases (rs782168461, gnomAD 0.06%). This variant has not been reported in the literature in individuals affected with GPAA1-related conditions. ClinVar contains an entry for this variant (Variation ID: 1414472). Algorithms developed to predict the effect of missense changes on protein structure and function (SIFT, PolyPhen-2, Align-GVGD) all suggest that this variant is likely to be tolerated. In summary, the available evidence is currently insufficient to determine the role of this variant in disease. Therefore, it has been classified as a Variant of Uncertain Significance.

NM_003801.4(GPAA1):c.1282G>C (p.Val428Leu)

Gene: GPAA1 (glycosylphosphatidylinositol anchor attachment 1; plus strand). Cytogenetic location: 8q24.3.
Variant type: single nucleotide variant.
Coding change: c.1282G>C on transcript NM_003801.4 (MANE Select); coding-DNA position 1282, G replaced by C.
Protein change: p.Val428Leu; replaces valine 428 with leucine.
Molecular consequence: missense variant.
Genome position (GRCh38, 1-based): chr8:144,085,310, G>C. VCF-style: chr8-144085310-G-C. GRCh37 (hg19) VCF-style: chr8-145140213-G-C.
Other names: short protein forms V428L.
Identifiers: ClinVar variation 1414472 (VCV001414472.5), dbSNP rs782168461, ClinGen allele CA4933130.